The following is an entry in ClinVar:

ClinVar aggregate classification (germline): Uncertain significance. Review status: criteria provided, multiple submitters, no conflicts (2 of 4 stars). 2 submissions from 2 submitters: Uncertain significance (2). Last evaluated 2025-08-28.

Conditions:
Epidermolysis bullosa simplex with nail dystrophy (EBS5D). Identifiers: MedGen C4225309, MONDO:0014661, OMIM 616487.
Epidermolysis bullosa simplex 5B, with muscular dystrophy (EBS5B). Also called: EPIDERMOLYSIS BULLOSA SIMPLEX AND LIMB-GIRDLE MUSCULAR DYSTROPHY; Epidermolysis bullosa simplex with muscular dystrophy. Identifiers: Orphanet 257, MedGen C2931072, MONDO:0009181, OMIM 226670.
Epidermolysis bullosa simplex 5C, with pyloric atresia (EBS5C). Also called: PLEC-Related Epidermolysis Bullosa with Pyloric Atresia; Epidermolysis bullosa simplex with pyloric atresia; PLEC1-Related Epidermolysis Bullosa with Pyloric Atresia. Identifiers: Orphanet 158684, MedGen C2677349, MONDO:0012807, OMIM 612138.
Autosomal recessive limb-girdle muscular dystrophy type 2Q (LGMDR17). Also called: MUSCULAR DYSTROPHY, LIMB-GIRDLE, AUTOSOMAL RECESSIVE 17. Identifiers: Orphanet 254361, MedGen C3150989, MONDO:0013390, OMIM 613723.
Epidermolysis bullosa simplex, Ogna type (EBS5A). Also called: Pidermolysis bullosa simplex 5A, Ogna type; EPIDERMOLYSIS BULLOSA SIMPLEX 5A, OGNA TYPE. Identifiers: Orphanet 79401, MedGen C0432317, MONDO:0007555, OMIM 131950.
Inborn genetic diseases. Identifiers: MedGen C0950123, MeSH D030342.

gnomAD v4.1: 2 of 1,601,720 alleles (0.00012%); highest among the groups gnomAD compares: Admixed American, 0.0017%; no homozygotes.

Submissions (2):

Ambry Genetics
Classification: Uncertain significance for Inborn genetic diseases. Last evaluated: 2025-08-28. Review status: criteria provided, single submitter. Criteria: Ambry Variant Classification Scheme 2023. Collection method: clinical testing. Allele origin: germline.

Labcorp Genetics (formerly Invitae), Labcorp
Classification: Uncertain significance for Autosomal recessive limb-girdle muscular dystrophy type 2Q; Epidermolysis bullosa simplex, Ogna type; Epidermolysis bullosa simplex with nail dystrophy; Epidermolysis bullosa simplex 5C, with pyloric atresia; Epidermolysis bullosa simplex 5B, with muscular dystrophy. Last evaluated: 2023-05-10. Review status: criteria provided, single submitter. Criteria: Invitae Variant Classification Sherloc (09022015). Collection method: clinical testing. Allele origin: germline.
Comment: This sequence change replaces lysine, which is basic and polar, with asparagine, which is neutral and polar, at codon 2363 of the PLEC protein (p.Lys2363Asn). This variant is not present in population databases (gnomAD no frequency). This variant has not been reported in the literature in individuals affected with PLEC-related conditions. An algorithm developed to predict the effect of missense changes on protein structure and function (PolyPhen-2) suggests that this variant is likely to be disruptive. In summary, the available evidence is currently insufficient to determine the role of this variant in disease. Therefore, it has been classified as a Variant of Uncertain Significance.

NM_201384.3(PLEC):c.7008G>T (p.Lys2336Asn)

Gene: PLEC (plectin; minus strand). Cytogenetic location: 8q24.3.
Variant type: single nucleotide variant.
Coding change: c.7008G>T on transcript NM_201384.3 (MANE Select); coding-DNA position 7008, G replaced by T.
Protein change: p.Lys2336Asn; replaces lysine 2336 with asparagine.
Molecular consequence: missense variant. On other transcripts: intron variant (1).
Genome position (GRCh38, 1-based): chr8:143,922,921, C>A on the plus strand (G>T on the coding strand, the complement: PLEC is on the minus strand). VCF-style: chr8-143922921-C-A. GRCh37 (hg19) VCF-style: chr8-144997089-C-A.
Other names: c.7089G>T (NM_000445.3); c.7020G>T, p.Lys2340Asn (NM_201383.3); c.4126-526G>T (NM_001410941.1); c.7089G>T, p.Lys2363Asn (NM_000445.5); c.6966G>T, p.Lys2322Asn (NM_201378.4); c.6942G>T, p.Lys2314Asn (NM_201379.3); c.7419G>T, p.Lys2473Asn (NM_201380.4); c.6912G>T, p.Lys2304Asn (NM_201381.3); and 1 more; short protein forms K2314N, K2322N, K2363N, K2473N, K2336N, K2340N, K2304N.
Identifiers: ClinVar variation 2929700 (VCV002929700.4), dbSNP rs781948577, ClinGen allele CA372530674.